The following is an entry in ClinVar:

ClinVar aggregate classification (germline): Likely benign. Review status: criteria provided, multiple submitters, no conflicts (2 of 4 stars). 2 submissions from 2 submitters: Likely benign (2). Last evaluated 2025-11-16.

Conditions:
Methylmalonic acidemia with homocystinuria, type cblX (MAHCX). Also called: INTELLECTUAL DEVELOPMENTAL DISORDER, X-LINKED 3. Identifiers: Orphanet 369962, MedGen C0796208, MONDO:0010657, OMIM 309541.

Allele frequency attached by ClinVar (database versions not stated): TOPMed below 0.00001.

Submissions (2):

Labcorp Genetics (formerly Invitae), Labcorp
Classification: Likely benign for Methylmalonic acidemia with homocystinuria, type cblX. Last evaluated: 2025-11-16. Review status: criteria provided, single submitter. Criteria: Invitae Variant Classification Sherloc (09022015). Collection method: clinical testing. Allele origin: germline.

GeneDx
Classification: Likely benign. Last evaluated: 2017-05-04. Review status: criteria provided, single submitter. Criteria: GeneDx Variant Classification (06012015). Collection method: clinical testing. Allele origin: germline. Affected: yes.
Comment: This variant is considered likely benign or benign based on one or more of the following criteria: it is a conservative change, it occurs at a poorly conserved position in the protein, it is predicted to be benign by multiple in silico algorithms, and/or has population frequency not consistent with disease.

NM_005334.3(HCFC1):c.3636C>T (p.Ala1212=)

Gene: HCFC1 (host cell factor C1; minus strand). Cytogenetic location: Xq28.
Variant type: single nucleotide variant.
Coding change: c.3636C>T on transcript NM_005334.3 (MANE Select); coding-DNA position 3636, C replaced by T.
Protein change: p.Ala1212=; no amino-acid change (alanine 1212 retained).
Molecular consequence: synonymous variant.
Genome position (GRCh38, 1-based): chrX:153,954,763, G>A on the plus strand (C>T on the coding strand, the complement: HCFC1 is on the minus strand). VCF-style: chrX-153954763-G-A. GRCh37 (hg19) VCF-style: chrX-153220214-G-A.
Identifiers: ClinVar variation 509202 (VCV000509202.4), dbSNP rs1557114069, ClinGen allele CA519702629.